The following is an entry in ClinVar:

ClinVar aggregate classification (germline): Uncertain significance. Review status: criteria provided, multiple submitters, no conflicts (2 of 4 stars). 2 submissions from 2 submitters: Uncertain significance (2). Last evaluated 2025-09-19.

Conditions:
Hereditary cancer-predisposing syndrome. Also called: Neoplastic Syndromes, Hereditary; Hereditary Cancer Syndrome; Hereditary neoplastic syndrome; Tumor predisposition. Identifiers: Orphanet 140162, MedGen C0027672, MeSH D009386, MONDO:0015356.
Multiple endocrine neoplasia, type 2 (MEN2). Identifiers: Orphanet 653, MedGen C4048306, MONDO:0019003. Disease mechanism: gain of function.

gnomAD v4.1: 1 of 1,614,242 alleles (0.000062%); highest among the groups gnomAD compares: East Asian, 0.0022%; no homozygotes.

Submissions (2):

Ambry Genetics
Classification: Uncertain significance for Hereditary cancer-predisposing syndrome. Last evaluated: 2025-09-19. Review status: criteria provided, single submitter. Criteria: Ambry Variant Classification Scheme 2023. Collection method: clinical testing. Allele origin: germline.
Comment: The p.V997L variant (also known as c.2989G>T), located in coding exon 18 of the RET gene, results from a G to T substitution at nucleotide position 2989. The valine at codon 997 is replaced by leucine, an amino acid with highly similar properties. This amino acid position is conserved. In addition, this alteration is predicted to be tolerated by in silico analysis. Based on the available evidence, the clinical significance of this variant remains unclear.

Labcorp Genetics (formerly Invitae), Labcorp
Classification: Uncertain significance for Multiple endocrine neoplasia, type 2. Last evaluated: 2023-12-06. Review status: criteria provided, single submitter. Criteria: Invitae Variant Classification Sherloc (09022015). Collection method: clinical testing. Allele origin: germline.
Comment: This sequence change replaces valine, which is neutral and non-polar, with leucine, which is neutral and non-polar, at codon 997 of the RET protein (p.Val997Leu). This variant is not present in population databases (gnomAD no frequency). This variant has not been reported in the literature in individuals affected with RET-related conditions. ClinVar contains an entry for this variant (Variation ID: 2108448). An algorithm developed to predict the effect of missense changes on protein structure and function (PolyPhen-2) suggests that this variant is likely to be tolerated. In summary, the available evidence is currently insufficient to determine the role of this variant in disease. Therefore, it has been classified as a Variant of Uncertain Significance.

NM_020975.6(RET):c.2989G>T (p.Val997Leu)

Gene: RET (ret proto-oncogene; plus strand). Cytogenetic location: 10q11.21.
Variant type: single nucleotide variant.
Coding change: c.2989G>T on transcript NM_020975.6 (MANE Select); coding-DNA position 2989, G replaced by T.
Protein change: p.Val997Leu; replaces valine 997 with leucine.
Molecular consequence: missense variant.
Genome position (GRCh38, 1-based): chr10:43,124,932, G>T. VCF-style: chr10-43124932-G-T. GRCh37 (hg19) VCF-style: chr10-43620380-G-T.
Other names: c.2227G>T, p.Val743Leu (NM_001355216.2); c.2989G>T, p.Val997Leu (NM_001406743.1, NM_001406744.1, NM_001406759.1 and 4 more transcripts); c.2860G>T, p.Val954Leu (NM_001406761.1, NM_001406762.1, NM_001406764.1); c.2854G>T, p.Val952Leu (NM_001406763.1, NM_001406765.1); c.2701G>T, p.Val901Leu (NM_001406766.1, NM_001406767.1, NM_001406770.1); c.2725G>T, p.Val909Leu (NM_001406768.1); c.2593G>T, p.Val865Leu (NM_001406769.1, NM_001406772.1); c.1999G>T, p.Val667Leu (NM_001406784.1); and 10 more; short protein forms V562L, V698L, V997L, V514L, V655L, V667L, V743L, V851L.
Identifiers: ClinVar variation 2108448 (VCV002108448.5), dbSNP rs781236624, ClinGen allele CA376558137.